The following is an entry in ClinVar:

NM_030780.5(SLC25A32):c.148T>C (p.Phe50Leu)

Gene: SLC25A32 (solute carrier family 25 member 32; minus strand). Cytogenetic location: 8q22.3.
Variant type: single nucleotide variant.
Coding change: c.148T>C on transcript NM_030780.5 (MANE Select); coding-DNA position 148, T replaced by C.
Protein change: p.Phe50Leu; replaces phenylalanine 50 with leucine.
Molecular consequence: missense variant. On other transcripts: non-coding transcript variant (2).
Genome position (GRCh38, 1-based): chr8:103,414,790, A>G on the plus strand (T>C on the coding strand, the complement: SLC25A32 is on the minus strand). VCF-style: chr8-103414790-A-G. GRCh37 (hg19) VCF-style: chr8-104427018-A-G.
Other names: short protein forms F50L.
Identifiers: ClinVar variation 2756095 (VCV002756095.3), dbSNP rs766944140, ClinGen allele CA4835574.

ClinVar aggregate classification (germline): Uncertain significance (1 of 4 stars; one submission).

Allele frequency attached by ClinVar (database versions not stated): ExAC 0.00001.
gnomAD v4.1: 1 of 1,613,712 alleles (0.000062%); no homozygotes.

Submission:

Labcorp Genetics (formerly Invitae), Labcorp
Classification: Uncertain significance. Last evaluated: 2024-01-18. Review status: criteria provided, single submitter. Criteria: Invitae Variant Classification Sherloc (09022015). Collection method: clinical testing. Allele origin: germline.
Comment: This sequence change replaces phenylalanine, which is neutral and non-polar, with leucine, which is neutral and non-polar, at codon 50 of the SLC25A32 protein (p.Phe50Leu). This variant is present in population databases (rs766944140, gnomAD no frequency). This variant has not been reported in the literature in individuals affected with SLC25A32-related conditions. Advanced modeling of protein sequence and biophysical properties (such as structural, functional, and spatial information, amino acid conservation, physicochemical variation, residue mobility, and thermodynamic stability) performed at Invitae indicates that this missense variant is not expected to disrupt SLC25A32 protein function with a negative predictive value of 80%. In summary, the available evidence is currently insufficient to determine the role of this variant in disease. Therefore, it has been classified as a Variant of Uncertain Significance.